The following is an entry in ClinVar:

ClinVar aggregate classification (germline): Uncertain significance (1 of 4 stars; one submission).

Submission:

Women's Health and Genetics/Laboratory Corporation of America, LabCorp
Classification: Uncertain significance. Last evaluated: 2026-04-29. Review status: criteria provided, single submitter. Criteria: LabCorp Variant Classification Summary - May 2015. Collection method: clinical testing. Allele origin: germline.
Comment: Variant summary: GBA1 c.1609T>C (p.X537ArgextX15) changes the termination codon and is predicted to lead to an extended protein with additional amino acids added to the normal C-terminus. The variant was absent in 166696 control chromosomes. The available data on variant occurrences in the general population are insufficient to allow any conclusion about variant significance. c.1609T>C has been observed in trans with a null variant in at least one individual affected with Gaucher Disease (example: Tammachote_2013). These data do not allow any conclusion about variant significance. At least one publication reports experimental evidence evaluating an impact on protein function. Specifically, COS-7 cells transfected with the cDNA of the variant of interest demonstrated a reduced residual glucocerebrosidase enzyme activity relative to controls (~50-60%) and a decrease in the amount of protein being expressed (example Tammachote_2013). Patient cells showed approximately 10-30% of control enzyme activity (Tammachote_2013). The following publication has been ascertained in the context of this evaluation (PMID: 23719189). No submitters have cited clinical-significance assessments for this variant to ClinVar. Based on the evidence outlined above, the variant was classified as VUS-possibly pathogenic.

Literature cited by the submitters: PubMed 23719189.

NM_000157.4(GBA1):c.1609T>C (p.Ter537Arg)

Genes: GBA1 (glucosylceramidase beta 1; minus strand), LOC106627981 (GBA recombination region; plus strand). Cytogenetic location: 1q22.
Variant type: single nucleotide variant.
Coding change: c.1609T>C on transcript NM_000157.4 (MANE Select); coding-DNA position 1609, T replaced by C.
Protein change: p.Ter537Arg.
Molecular consequence: stop lost.
Genome position (GRCh38, 1-based): chr1:155,234,997, A>G on the plus strand (T>C on the coding strand, the complement: GBA1 is on the minus strand). VCF-style: chr1-155234997-A-G. GRCh37 (hg19) VCF-style: chr1-155204788-A-G.
Other names: c.1609T>C, p.Ter537Arg (NM_001005741.3, NM_001005742.3); c.1348T>C, p.Ter450Arg (NM_001171811.2); c.1462T>C, p.Ter488Arg (NM_001171812.2).
Identifiers: ClinVar variation 4848457 (VCV004848457.1).